The following is an entry in ClinVar:

NM_014727.3(KMT2B):c.4176G>A (p.Pro1392=)

Gene: KMT2B (lysine methyltransferase 2B; plus strand). Cytogenetic location: 19q13.12.
Variant type: single nucleotide variant.
Coding change: c.4176G>A on transcript NM_014727.3 (MANE Select); coding-DNA position 4176, G replaced by A.
Protein change: p.Pro1392=; no amino-acid change (proline 1392 retained).
Molecular consequence: synonymous variant.
Genome position (GRCh38, 1-based): chr19:35,727,496, G>A. VCF-style: chr19-35727496-G-A. GRCh37 (hg19) VCF-style: chr19-36218397-G-A.
Other names: c.4176G>A (NM_014727.2).
Identifiers: ClinVar variation 2419474 (VCV002419474.32), dbSNP rs374868218, ClinGen allele CA9385003.

ClinVar aggregate classification (germline): Benign/Likely benign. Review status: criteria provided, multiple submitters, no conflicts (2 of 4 stars). 3 submissions from 3 submitters: Benign (1); Likely benign (1). 1 of the submissions does not count toward it. Last evaluated 2026-01-09.

Conditions:
KMT2B-related disorder. Also called: KMT2B-related disorders; KMT2B-related condition. Identifiers: MedGen CN381338.

Allele frequency attached by ClinVar (database versions not stated): ExAC 0.00003; TOPMed 0.00005; gnomAD 0.00009; ESP Exome Variant Server 0.00016.
gnomAD v4.1: 146 of 1,611,776 alleles (0.0091%); highest among the groups gnomAD compares: Middle Eastern, 0.033%; no homozygotes.

Submissions (3):

Labcorp Genetics (formerly Invitae), Labcorp
Classification: Benign. Last evaluated: 2026-01-09. Review status: criteria provided, single submitter. Criteria: Invitae Variant Classification Sherloc (09022015). Collection method: clinical testing. Allele origin: germline.

CeGaT Center for Human Genetics Tuebingen
Classification: Likely benign. Last evaluated: 2025-04-01. Review status: criteria provided, single submitter. Criteria: CeGaT Center For Human Genetics Tuebingen Variant Classification Criteria Version 2. Collection method: clinical testing. Allele origin: germline. Affected: yes. Observed: 5 variant alleles.
Comment: KMT2B: BP4, BP7

PreventionGenetics, part of Exact Sciences
Classification: Likely benign for KMT2B-related condition. Last evaluated: 2019-02-28. Review status: no assertion criteria provided. Collection method: clinical testing. Allele origin: germline. Not counted in ClinVar's aggregate classification.
Comment: This variant is classified as likely benign based on ACMG/AMP sequence variant interpretation guidelines (Richards et al. 2015 PMID: 25741868, with internal and published modifications).